The following is an entry in ClinVar:

NM_006031.6(PCNT):c.6921+4G>C

Gene: PCNT (pericentrin; plus strand). Cytogenetic location: 21q22.3.
Variant type: single nucleotide variant.
Coding change: c.6921+4G>C on transcript NM_006031.6 (MANE Select); 4 bases into the intron after coding-DNA position 6921, G replaced by C.
Molecular consequence: intron variant.
Genome position (GRCh38, 1-based): chr21:46,416,843, G>C. VCF-style: chr21-46416843-G-C. GRCh37 (hg19) VCF-style: chr21-47836757-G-C.
Other names: c.6567+4G>C (NM_001315529.2).
Identifiers: ClinVar variation 3351576 (VCV003351576.1).

ClinVar aggregate classification (germline): Likely benign (0 of 4 stars; one submission).

Conditions:
PCNT-related disorder. Also called: PCNT-related condition.

gnomAD v4.1: 11 of 1,597,256 alleles (0.00069%); highest among the groups gnomAD compares: Non-Finnish European, 0.00093%; no homozygotes.

Submission:

PreventionGenetics, part of Exact Sciences
Classification: Likely benign for PCNT-related condition. Last evaluated: 2024-05-28. Review status: no assertion criteria provided. Collection method: clinical testing. Allele origin: germline.
Comment: This variant is classified as likely benign based on ACMG/AMP sequence variant interpretation guidelines (Richards et al. 2015 PMID: 25741868, with internal and published modifications).